The following is an entry in ClinVar:

ClinVar aggregate classification (germline): Uncertain significance (1 of 4 stars; one submission).

Conditions:
POLD1-related polyposis and colorectal cancer syndrome (CRCS10). Also called: Colorectal cancer 10; COLORECTAL CANCER, SUSCEPTIBILITY TO, ON CHROMOSOME 19q; Colorectal cancer, susceptibility to, 10. Identifiers: Orphanet 220460, MedGen C2675481, MONDO:0012953, OMIM 612591.

Submission:

Labcorp Genetics (formerly Invitae), Labcorp
Classification: Uncertain significance for POLD1-related polyposis and colorectal cancer syndrome. Last evaluated: 2025-04-21. Review status: criteria provided, single submitter. Criteria: Invitae Variant Classification Sherloc (09022015). Collection method: clinical testing. Allele origin: germline.
Comment: This sequence change replaces proline, which is neutral and non-polar, with arginine, which is basic and polar, at codon 154 of the POLD1 protein (p.Pro154Arg). This variant is not present in population databases (gnomAD no frequency). This variant has not been reported in the literature in individuals affected with POLD1-related conditions. ClinVar contains an entry for this variant (Variation ID: 851863). An algorithm developed to predict the effect of missense changes on protein structure and function (PolyPhen-2) suggests that this variant is likely to be tolerated. In summary, the available evidence is currently insufficient to determine the role of this variant in disease. Therefore, it has been classified as a Variant of Uncertain Significance.

NM_002691.4(POLD1):c.461C>G (p.Pro154Arg)

Gene: POLD1 (DNA polymerase delta 1, catalytic subunit; plus strand). Cytogenetic location: 19q13.33.
Variant type: single nucleotide variant.
Coding change: c.461C>G on transcript NM_002691.4 (MANE Select); coding-DNA position 461, C replaced by G.
Protein change: p.Pro154Arg; replaces proline 154 with arginine.
Molecular consequence: missense variant. On other transcripts: non-coding transcript variant (1).
Genome position (GRCh38, 1-based): chr19:50,401,922, C>G. VCF-style: chr19-50401922-C-G. GRCh37 (hg19) VCF-style: chr19-50905179-C-G.
Other names: c.461C>G, p.Pro154Arg (NM_001256849.1, NM_001308632.1); short protein forms P154R.
Identifiers: ClinVar variation 851863 (VCV000851863.7), dbSNP rs947999258, ClinGen allele CA309599193.